The following is an entry in ClinVar:

ClinVar aggregate classification (germline): Pathogenic. Review status: criteria provided, multiple submitters, no conflicts (2 of 4 stars). 3 submissions from 3 submitters: Pathogenic (3). Last evaluated 2024-11-11.

Conditions:
BAP1-related tumor predisposition syndrome (TPDS1). Also called: BAP1 tumor predisposition syndrome; COMMON Syndrome; TUMOR PREDISPOSITION SYNDROME 1; Tumor susceptibility linked to germline BAP1 mutations. Identifiers: Orphanet 289539, MedGen C3280492, MONDO:0013692, OMIM 614327.
Hereditary cancer-predisposing syndrome. Also called: Neoplastic Syndromes, Hereditary; Tumor predisposition; Hereditary Cancer Syndrome; Hereditary neoplastic syndrome. Identifiers: Orphanet 140162, MedGen C0027672, MeSH D009386, MONDO:0015356.

Submissions (3):

Ambry Genetics
Classification: Pathogenic for Hereditary cancer-predisposing syndrome. Last evaluated: 2024-11-11. Review status: criteria provided, single submitter. Criteria: Ambry Variant Classification Scheme 2023. Collection method: clinical testing. Allele origin: germline.
Comment: The c.758dupA pathogenic mutation, located in coding exon 9 of the BAP1 gene, results from a duplication of A at nucleotide position 758, causing a translational frameshift with a predicted alternate stop codon (p.T254Dfs*30). Of note, this alteration is also known as c.758_759insA in published literature. This variant is considered to be rare based on population cohorts in the Genome Aggregation Database (gnomAD). In addition to the clinical data presented in the literature, this alteration is expected to result in loss of function by premature protein truncation or nonsense-mediated mRNA decay. As such, this alteration is interpreted as a disease-causing mutation.

Labcorp Genetics (formerly Invitae), Labcorp
Classification: Pathogenic for BAP1-related tumor predisposition syndrome. Last evaluated: 2024-03-19. Review status: criteria provided, single submitter. Criteria: Invitae Variant Classification Sherloc (09022015). Collection method: clinical testing. Allele origin: germline.
Comment: This sequence change creates a premature translational stop signal (p.Thr254Aspfs*30) in the BAP1 gene. It is expected to result in an absent or disrupted protein product. Loss-of-function variants in BAP1 are known to be pathogenic (PMID: 21874000, 23684012). This variant is not present in population databases (gnomAD no frequency). This premature translational stop signal has been observed in individual(s) with papillary mesothelioma, uveal melanoma (PMID: 23585512, 23849051). It has also been observed to segregate with disease in related individuals. ClinVar contains an entry for this variant (Variation ID: 472715). For these reasons, this variant has been classified as Pathogenic.

Baylor Genetics
Classification: Pathogenic for BAP1-related tumor predisposition syndrome. Last evaluated: 2023-11-16. Review status: criteria provided, single submitter. Criteria: ACMG Guidelines, 2015. Collection method: clinical testing. Allele origin: unknown.

Literature cited by the submitters: PubMed 23585512 (cited by Ambry Genetics and Labcorp Genetics (formerly Invitae), Labcorp); PubMed 21874000 (cited by Labcorp Genetics (formerly Invitae), Labcorp); PubMed 23684012 (cited by Labcorp Genetics (formerly Invitae), Labcorp); PubMed 23849051 (cited by Labcorp Genetics (formerly Invitae), Labcorp).

NM_004656.4(BAP1):c.758dup (p.Thr254fs)

Gene: BAP1 (BRCA1 associated deubiquitinase 1; minus strand). Cytogenetic location: 3p21.1.
Variant type: Duplication.
Coding change: c.758dup on transcript NM_004656.4 (MANE Select); coding-DNA position 758, one base duplicated (A; older notation c.758dupA).
Protein change: p.Thr254fs; shifts the reading frame from threonine 254.
Molecular consequence: frameshift variant.
Genome position (GRCh38, 1-based): chr3:52,406,278, T duplicated on the plus strand (A on the coding strand, the reverse complement: BAP1 is on the minus strand). VCF-style (leftmost placement, unchanged base first): chr3-52406277-C-CT. GRCh37 (hg19) VCF-style: chr3-52440293-C-CT.
Other names: c.758dupA (NM_004656.2, NM_004656.3); short protein forms T254fs.
Identifiers: ClinVar variation 472715 (VCV000472715.7), dbSNP rs1553645591, ClinGen allele CA658657313.